The following is an entry in ClinVar:

NM_015046.7(SETX):c.2688G>T (p.Leu896Phe)

Gene: SETX (senataxin; minus strand). Cytogenetic location: 9q34.13.
Variant type: single nucleotide variant.
Coding change: c.2688G>T on transcript NM_015046.7 (MANE Select); coding-DNA position 2688, G replaced by T.
Protein change: p.Leu896Phe; replaces leucine 896 with phenylalanine.
Molecular consequence: missense variant.
Genome position (GRCh38, 1-based): chr9:132,328,910, C>A on the plus strand (G>T on the coding strand, the complement: SETX is on the minus strand). VCF-style: chr9-132328910-C-A. GRCh37 (hg19) VCF-style: chr9-135204297-C-A.
Other names: c.2688G>T (NM_015046.5); c.2688G>T, p.Leu896Phe (NM_001351527.2, NM_001351528.2); short protein forms L896F.
Identifiers: ClinVar variation 1649167 (VCV001649167.14), dbSNP rs370551247, ClinGen allele CA5297552.

ClinVar aggregate classification (germline): Conflicting classifications of pathogenicity. Review status: criteria provided, conflicting classifications (1 of 4 stars). 4 submissions from 4 submitters: Uncertain significance (2); Likely benign (2). Last evaluated 2025-04-28.

Conditions:
Inborn genetic diseases. Identifiers: MedGen C0950123, MeSH D030342.
Amyotrophic lateral sclerosis type 4 (ALS4). Also called: NEURONOPATHY, DISTAL HEREDITARY MOTOR, WITH PYRAMIDAL FEATURES; AMYOTROPHIC LATERAL SCLEROSIS 4, JUVENILE. Identifiers: Orphanet 357043, MedGen C1865409, MONDO:0011223, OMIM 602433.
Spinocerebellar ataxia, autosomal recessive, with axonal neuropathy 2 (SCAN2). Also called: Ataxia with Oculomotor Apraxia Type 2; Ataxia-ocular apraxia-2; Ataxia with Oculomotor Apraxia; ATAXIA-OCULOMOTOR APRAXIA 2. Identifiers: Orphanet 64753, MedGen C1853761, MONDO:0018996, OMIM 606002.

Allele frequency attached by ClinVar (database versions not stated): gnomAD exomes 0.00002 and 0.00006; ExAC 0.00006; ESP Exome Variant Server 0.00015; 1000 Genomes Project 30x 0.00016; 1000 Genomes Project 0.00020; TOPMed 0.00022.
gnomAD v4.1: 74 of 1,613,464 alleles (0.0046%); highest among the groups gnomAD compares: African/African-American, 0.093%; no homozygotes.

Submissions (4):

Labcorp Genetics (formerly Invitae), Labcorp
Classification: Likely benign for Amyotrophic lateral sclerosis type 4; Spinocerebellar ataxia, autosomal recessive, with axonal neuropathy 2. Last evaluated: 2025-04-28. Review status: criteria provided, single submitter. Criteria: Invitae Variant Classification Sherloc (09022015). Collection method: clinical testing. Allele origin: germline.

Athena Diagnostics
Classification: Likely benign. Last evaluated: 2024-09-17. Review status: criteria provided, single submitter. Criteria: Athena Diagnostics Criteria. Collection method: clinical testing. Allele origin: unknown.

Ambry Genetics
Classification: Uncertain significance for Inborn genetic diseases. Last evaluated: 2024-06-26. Review status: criteria provided, single submitter. Criteria: Ambry Variant Classification Scheme 2023. Collection method: clinical testing. Allele origin: germline.

Laboratorio de Genetica e Diagnostico Molecular, Hospital Israelita Albert Einstein
Classification: Uncertain significance. Last evaluated: 2019-09-26. Review status: criteria provided, single submitter. Criteria: ACMG Guidelines, 2015. Collection method: clinical testing. Allele origin: germline. Affected: yes.
Comment: ACMG classification criteria: PM2, BP4